The following is an entry in ClinVar:

NM_007294.4(BRCA1):c.863G>T (p.Ser288Ile)

Gene: BRCA1 (BRCA1 DNA repair associated; minus strand). Cytogenetic location: 17q21.31.
Variant type: single nucleotide variant.
Coding change: c.863G>T on transcript NM_007294.4 (MANE Select); coding-DNA position 863, G replaced by T.
Protein change: p.Ser288Ile; replaces serine 288 with isoleucine.
Molecular consequence: missense variant. On other transcripts: 5 prime UTR variant (2), intron variant (137).
Genome position (GRCh38, 1-based): chr17:43,094,668, C>A on the plus strand (G>T on the coding strand, the complement: BRCA1 is on the minus strand). VCF-style: chr17-43094668-C-A. GRCh37 (hg19) VCF-style: chr17-41246685-C-A.
Other names: c.599G>T, p.Ser200Ile (NM_001407928.1, NM_001407929.1, NM_001407933.1 and 9 more transcripts); c.596G>T, p.Ser199Ile (NM_001407930.1, NM_001407931.1, NM_001407932.1 and 2 more transcripts); c.740G>T, p.Ser247Ile (NM_001407937.1, NM_001407938.1, NM_001407939.1 and 19 more transcripts); c.860G>T, p.Ser287Ile (NM_001407612.1, NM_001407587.1, NM_001407590.1 and 22 more transcripts); c.785G>T, p.Ser262Ile (NM_001407654.1, NM_001407656.1, NM_001407657.1 and 4 more transcripts); c.782G>T, p.Ser261Ile (NM_001407659.1, NM_001407660.1, NM_001407661.1 and 1 more transcripts); c.722G>T, p.Ser241Ile (NM_001407738.1, NM_001407736.1, NM_001407737.1 and 29 more transcripts); c.737G>T, p.Ser246Ile (NM_001407940.1, NM_001407941.1, NM_001407649.1 and 11 more transcripts); and 40 more; short protein forms S241I, S246I, S247I, S262I, S287I, S120I, S160I, S176I.
Identifiers: ClinVar variation 3634700 (VCV003634700.2).

ClinVar aggregate classification (germline): Uncertain significance (1 of 4 stars; one submission).

Conditions:
Hereditary breast ovarian cancer syndrome. Also called: Hereditary breast and ovarian cancer syndrome; Hereditary breast and ovarian cancer syndrome (HBOC); BRCA1- and BRCA2-Associated Hereditary Breast and Ovarian Cancer; Hereditary breast and ovarian cancer; Breast and ovarian cancer; Hereditary breast and/or ovarian cancer syndrome. Identifiers: Orphanet 145, MedGen C0677776, MeSH D061325, MONDO:0003582. Disease mechanism: loss of function.

Submission:

Labcorp Genetics (formerly Invitae), Labcorp
Classification: Uncertain significance for Hereditary breast ovarian cancer syndrome. Last evaluated: 2024-09-02. Review status: criteria provided, single submitter. Criteria: Invitae Variant Classification Sherloc (09022015). Collection method: clinical testing. Allele origin: germline.
Comment: This sequence change replaces serine, which is neutral and polar, with isoleucine, which is neutral and non-polar, at codon 288 of the BRCA1 protein (p.Ser288Ile). This variant is not present in population databases (gnomAD no frequency). This variant has not been reported in the literature in individuals affected with BRCA1-related conditions. Invitae Evidence Modeling of protein sequence and biophysical properties (such as structural, functional, and spatial information, amino acid conservation, physicochemical variation, residue mobility, and thermodynamic stability) indicates that this missense variant is not expected to disrupt BRCA1 protein function with a negative predictive value of 95%. In summary, the available evidence is currently insufficient to determine the role of this variant in disease. Therefore, it has been classified as a Variant of Uncertain Significance.